The following is an entry in ClinVar:

ClinVar aggregate classification (germline): Conflicting classifications of pathogenicity. Review status: criteria provided, conflicting classifications (1 of 4 stars). 3 submissions from 3 submitters: Uncertain significance (1); Benign (1). 1 of the submissions does not count toward it. Last evaluated 2023-10-09.

Conditions:
Rubinstein-Taybi syndrome (RSTS). Identifiers: Orphanet 783, MedGen C0035934, MONDO:0019188.
CREBBP-related disorder. Also called: CREBBP-related disorders; CREBBP-related condition.

Allele frequency attached by ClinVar (database versions not stated): ExAC 0.00003; TOPMed 0.00005; ESP Exome Variant Server 0.00008; gnomAD 0.00008.
gnomAD v4.1: 16 of 1,612,416 alleles (0.00099%); highest among the groups gnomAD compares: African/African-American, 0.021%; no homozygotes.

Submissions (3):

Labcorp Genetics (formerly Invitae), Labcorp
Classification: Benign for Rubinstein-Taybi syndrome. Last evaluated: 2023-10-09. Review status: criteria provided, single submitter. Criteria: Invitae Variant Classification Sherloc (09022015). Collection method: clinical testing. Allele origin: germline.

GeneDx
Classification: Uncertain significance. Last evaluated: 2022-09-16. Review status: criteria provided, single submitter. Criteria: GeneDx Variant Classification Process June 2021. Collection method: clinical testing. Allele origin: germline. Affected: yes.
Comment: In silico analysis supports that this variant does not alter splicing; Has not been previously published as pathogenic or benign to our knowledge

PreventionGenetics, part of Exact Sciences
Classification: Likely benign for CREBBP-related condition. Last evaluated: 2022-12-07. Review status: no assertion criteria provided. Collection method: clinical testing. Allele origin: germline. Not counted in ClinVar's aggregate classification.
Comment: This variant is classified as likely benign based on ACMG/AMP sequence variant interpretation guidelines (Richards et al. 2015 PMID: 25741868, with internal and published modifications).

NM_004380.3(CREBBP):c.6786C>T (p.Gly2262=)

Gene: CREBBP (CREB binding lysine acetyltransferase; minus strand). Cytogenetic location: 16p13.3.
Variant type: single nucleotide variant.
Coding change: c.6786C>T on transcript NM_004380.3 (MANE Select); coding-DNA position 6786, C replaced by T.
Protein change: p.Gly2262=; no amino-acid change (glycine 2262 retained).
Molecular consequence: synonymous variant.
Genome position (GRCh38, 1-based): chr16:3,728,261, G>A on the plus strand (C>T on the coding strand, the complement: CREBBP is on the minus strand). VCF-style: chr16-3728261-G-A. GRCh37 (hg19) VCF-style: chr16-3778262-G-A.
Other names: c.6672C>T, p.Gly2224= (NM_001079846.1).
Identifiers: ClinVar variation 2444773 (VCV002444773.5), dbSNP rs374379164, ClinGen allele CA7868999.